The following is an entry in ClinVar:

NM_020791.4(TAOK1):c.764G>A (p.Arg255His)

Gene: TAOK1 (TAO kinase 1; plus strand). Cytogenetic location: 17q11.2.
Variant type: single nucleotide variant.
Coding change: c.764G>A on transcript NM_020791.4 (MANE Select); coding-DNA position 764, G replaced by A.
Protein change: p.Arg255His; replaces arginine 255 with histidine.
Molecular consequence: missense variant.
Genome position (GRCh38, 1-based): chr17:29,491,798, G>A. VCF-style: chr17-29491798-G-A. GRCh37 (hg19) VCF-style: chr17-27818816-G-A.
Other names: c.764G>A, p.Arg255His (NM_025142.1); short protein forms R255H.
Identifiers: ClinVar variation 2504676 (VCV002504676.1), dbSNP rs1002421158, ClinGen allele CA289644572.
Genomic context (GRCh38, chr17:29,491,798, plus strand): 5'-TAAAGGAAATAGCAATGTGTTCACTTGATACTTTCCTTTACAATAGGTCTGATTATTTTC[G>A]CAACTTTGTAGATTCTTGCCTCCAGAAAATCCCTCAAGATCGACCTACATCAGAGGAACT-3'
Protein context (NP_065842.1, residues 245-265): LQSNEWSDYF[Arg255His]NFVDSCLQKI

ClinVar aggregate classification (germline): Uncertain significance (1 of 4 stars; one submission).

Allele frequency attached by ClinVar (database versions not stated): gnomAD exomes below 0.00001; TOPMed below 0.00001.
gnomAD v4.1: 6 of 1,613,262 alleles (0.00037%); highest among the groups gnomAD compares: East Asian, 0.0022%; no homozygotes.

Submission:

GeneDx
Classification: Uncertain significance. Last evaluated: 2022-12-12. Review status: criteria provided, single submitter. Criteria: GeneDx Variant Classification Process June 2021. Collection method: clinical testing. Allele origin: germline. Affected: yes.
Comment: Not observed at significant frequency in large population cohorts (gnomAD); In silico analysis supports that this missense variant has a deleterious effect on protein structure/function; Has not been previously published as pathogenic or benign to our knowledge